The following is an entry in ClinVar:

NM_182977.3(NNT):c.1817T>C (p.Val606Ala)

Gene: NNT (nicotinamide nucleotide transhydrogenase; plus strand). Cytogenetic location: 5p12.
Variant type: single nucleotide variant.
Coding change: c.1817T>C on transcript NM_182977.3 (MANE Select); coding-DNA position 1817, T replaced by C.
Protein change: p.Val606Ala; replaces valine 606 with alanine.
Molecular consequence: missense variant.
Genome position (GRCh38, 1-based): chr5:43,651,838, T>C. VCF-style: chr5-43651838-T-C. GRCh37 (hg19) VCF-style: chr5-43651940-T-C.
Other names: c.1424T>C, p.Val475Ala (NM_001331026.2); c.1817T>C, p.Val606Ala (NM_012343.4); short protein forms V475A, V606A.
Identifiers: ClinVar variation 1030251 (VCV001030251.5), dbSNP rs139379760, ClinGen allele CA3258082.
Genomic context (GRCh38, chr5:43,651,838, plus strand): 5'-AGCGTCCCACTGACCCCCCAGAATACAACTACCTGTACCTGCTCCCTGCCGGCACCTTTG[T>C]TGGTGGATATTTAGCTGCCCTCTACAGTGGTTATAACATTGAACAGGTAAGATGCTCTTT-3'
Protein context (NP_892022.2, residues 596-616): YLYLLPAGTF[Val606Ala]GGYLAALYSG

ClinVar aggregate classification (germline): Uncertain significance. Review status: criteria provided, multiple submitters, no conflicts (2 of 4 stars). 3 submissions from 3 submitters: Uncertain significance (3). Last evaluated 2026-09-18.

Conditions:
Glucocorticoid deficiency 4. Also called: Glucocorticoid deficiency 4 with or without mineralocorticoid deficiency. Identifiers: Orphanet 361, MedGen C3553587, MONDO:0013874, OMIM 614736.
NNT-related disorder. Also called: NNT-related condition.

Allele frequency attached by ClinVar (database versions not stated): gnomAD exomes 0.00005 and 0.00012; ExAC 0.00006; ESP Exome Variant Server 0.00008; 1000 Genomes Project 30x 0.00031; 1000 Genomes Project 0.00040; gnomAD 0.00041 and 0.00044; TOPMed 0.00094.
gnomAD v4.1: 159 of 1,614,140 alleles (0.0099%); highest among the groups gnomAD compares: Admixed American, 0.17%; no homozygotes.

Submissions (3):

PreventionGenetics, part of Exact Sciences
Classification: Uncertain significance for NNT-related condition. Last evaluated: 2026-09-18. Review status: criteria provided, single submitter. Criteria: ACMG Guidelines, 2015. Collection method: clinical testing. Allele origin: germline.
Comment: The NNT c.1817T>C variant is predicted to result in the amino acid substitution p.Val606Ala. To our knowledge, this variant has not been reported in the literature. This variant is reported in 0.056% of alleles in individuals of Latino descent in gnomAD. Although we suspect that this variant may be benign, at this time, the clinical significance of this variant is uncertain due to the absence of conclusive functional and genetic evidence.

Labcorp Genetics (formerly Invitae), Labcorp
Classification: Uncertain significance. Last evaluated: 2026-01-19. Review status: criteria provided, single submitter. Criteria: Invitae Variant Classification Sherloc (09022015). Collection method: clinical testing. Allele origin: germline.
Comment: This sequence change replaces valine, which is neutral and non-polar, with alanine, which is neutral and non-polar, at codon 606 of the NNT protein (p.Val606Ala). This variant is present in population databases (rs139379760, gnomAD 0.05%). This variant has not been reported in the literature in individuals affected with NNT-related conditions. ClinVar contains an entry for this variant (Variation ID: 1030251). An algorithm developed to predict the effect of missense changes on protein structure and function (PolyPhen-2) suggests that this variant is likely to be tolerated. In summary, the available evidence is currently insufficient to determine the role of this variant in disease. Therefore, it has been classified as a Variant of Uncertain Significance.

Baylor Genetics
Classification: Uncertain significance for Glucocorticoid deficiency 4. Last evaluated: 2019-11-07. Review status: criteria provided, single submitter. Criteria: ACMG Guidelines, 2015. Collection method: clinical testing. Allele origin: unknown. Affected: yes.
Comment: This variant was determined to be of uncertain significance according to ACMG Guidelines, 2015 [PMID:25741868].